The following is an entry in ClinVar:

ClinVar aggregate classification (germline): Pathogenic/Likely pathogenic. Review status: criteria provided, multiple submitters, no conflicts (2 of 4 stars). 3 submissions from 3 submitters: Pathogenic (2); Likely pathogenic (1). Last evaluated 2019-01-27.

Conditions:
Hereditary cancer-predisposing syndrome. Also called: Hereditary neoplastic syndrome; Neoplastic Syndromes, Hereditary; Hereditary Cancer Syndrome; Tumor predisposition. Identifiers: Orphanet 140162, MedGen C0027672, MeSH D009386, MONDO:0015356.
Fumarase deficiency (FMRD). Also called: Fumarate Hydratase Deficiency; Fumaric aciduria. Identifiers: Orphanet 24, MedGen C0342770, MONDO:0011730, OMIM 606812.
Hereditary leiomyomatosis and renal cell cancer. Also called: Familial leiomyomatosis; MULTIPLE CUTANEOUS AND UTERINE LEIOMYOMATA 1, WITH OR WITHOUT RENAL CELL CARCINOMA; Multiple cutaneous leiomyomas; FH tumor predisposition syndrome; LEIOMYOMA, MULTIPLE CUTANEOUS; Reed syndrome. Identifiers: Orphanet 523, MedGen C1708350, MONDO:0007888, OMIM 150800, HP:0007437. Disease mechanism: loss of function.

Submissions (3):

Labcorp Genetics (formerly Invitae), Labcorp
Classification: Pathogenic. Last evaluated: 2019-01-27. Review status: criteria provided, single submitter. Criteria: Invitae Variant Classification Sherloc (09022015). Collection method: clinical testing. Allele origin: germline.
Comment: This sequence change creates a premature translational stop signal (p.Leu60*) in the FH gene. It is expected to result in an absent or disrupted protein product. This variant is not present in population databases (ExAC no frequency). For these reasons, this variant has been classified as Pathogenic. Loss-of-function variants in FH are known to be pathogenic (PMID: 11865300, 21398687). This variant has not been reported in the literature in individuals with FH-related disease. ClinVar contains an entry for this variant (Variation ID: 429185).

Ambry Genetics
Classification: Pathogenic for Hereditary cancer-predisposing syndrome. Last evaluated: 2016-06-09. Review status: criteria provided, single submitter. Criteria: Ambry Variant Classification Scheme 2023. Collection method: clinical testing. Allele origin: germline.
Comment: The c.174_177dupTGAA pathogenic mutation, located in coding exon 2 of the FH gene, results from a duplication of TGAA at nucleotide position 174, causing a translational frameshift with a predicted alternate stop codon (p.L60*). This alteration is expected to result in loss of function by premature protein truncation or nonsense-mediated mRNA decay. As such, this alteration is interpreted as a disease-causing mutation.

Juno Genomics, Hangzhou Juno Genomics, Inc
Classification: Likely pathogenic for Fumarase deficiency; Hereditary leiomyomatosis and renal cell cancer. Review status: criteria provided, single submitter. Criteria: ACMG Guidelines, 2015. Collection method: clinical testing. Allele origin: germline.
Comment: Absent from controls (or at extremely low frequency if recessive) in Genome Aggregation Database.;Null variant in a gene where loss of function (LOF) is a known mechanism of disease.

Literature cited by the submitters: PubMed 11865300 (cited by Labcorp Genetics (formerly Invitae), Labcorp); PubMed 21398687 (cited by Labcorp Genetics (formerly Invitae), Labcorp).

NM_000143.4(FH):c.174_177dup (p.Leu60Ter)

Gene: FH (fumarate hydratase; minus strand). Cytogenetic location: 1q43.
Variant type: Duplication.
Coding change: c.174_177dup on transcript NM_000143.4 (MANE Select); coding-DNA positions 174 to 177, 4 bases duplicated (TGAA; older notation c.174_177dupTGAA).
Protein change: p.Leu60Ter; replaces leucine 60 with a stop codon.
Molecular consequence: nonsense.
Genome position (GRCh38, 1-based): chr1:241,517,272-241,517,275, TTCA duplicated on the plus strand (TGAA on the coding strand, the reverse complement: FH is on the minus strand). VCF-style (leftmost placement, unchanged base first): chr1-241517271-G-GTTCA. GRCh37 (hg19) VCF-style: chr1-241680571-G-GTTCA.
Other names: c.174_177dupTGAA (NM_000143.3); short protein forms L60*.
Identifiers: ClinVar variation 429185 (VCV000429185.15), dbSNP rs1131691246, ClinGen allele CA645369175.